The following is an entry in ClinVar:

ClinVar aggregate classification (germline): Likely benign (1 of 4 stars; one submission).

Submission:

CeGaT Center for Human Genetics Tuebingen
Classification: Likely benign. Last evaluated: 2024-07-01. Review status: criteria provided, single submitter. Criteria: CeGaT Center For Human Genetics Tuebingen Variant Classification Criteria Version 2. Collection method: clinical testing. Allele origin: germline. Affected: yes. Observed: 1 variant allele.
Comment: RERE: BP4, BP7, BS1

NM_001042681.2(RERE):c.3045G>C (p.Pro1015=)

Gene: RERE (arginine-glutamic acid dipeptide repeats; minus strand). Cytogenetic location: 1p36.23.
Variant type: single nucleotide variant.
Coding change: c.3045G>C on transcript NM_001042681.2 (MANE Select); coding-DNA position 3045, G replaced by C.
Protein change: p.Pro1015=; no amino-acid change (proline 1015 retained).
Molecular consequence: synonymous variant.
Genome position (GRCh38, 1-based): chr1:8,360,462, C>G on the plus strand (G>C on the coding strand, the complement: RERE is on the minus strand). VCF-style: chr1-8360462-C-G. GRCh37 (hg19) VCF-style: chr1-8420522-C-G.
Other names: c.1383G>C, p.Pro461= (NM_001042682.2); c.3045G>C, p.Pro1015= (NM_012102.4).
Identifiers: ClinVar variation 3250579 (VCV003250579.18), dbSNP rs1052664473.